The following is an entry in ClinVar:

ClinVar aggregate classification (germline): Uncertain significance (1 of 4 stars; one submission).

Conditions:
Hereditary sensory neuropathy-deafness-dementia syndrome. Also called: Hereditary sensory neuropathy type IE; NEUROPATHY, HEREDITARY SENSORY, WITH HEARING LOSS AND DEMENTIA; HSN IE; Hereditary Sensory and Autonomic Neuropathy Type 1E (HSAN1E). Identifiers: Orphanet 456318, MedGen C3279885, MONDO:0013584, OMIM 614116.

Allele frequency attached by ClinVar (database versions not stated): TOPMed 0.00001.

Submission:

Labcorp Genetics (formerly Invitae), Labcorp
Classification: Uncertain significance for Hereditary sensory neuropathy-deafness-dementia syndrome. Last evaluated: 2022-06-29. Review status: criteria provided, single submitter. Criteria: Invitae Variant Classification Sherloc (09022015). Collection method: clinical testing. Allele origin: germline.
Comment: In summary, the available evidence is currently insufficient to determine the role of this variant in disease. Therefore, it has been classified as a Variant of Uncertain Significance. Algorithms developed to predict the effect of missense changes on protein structure and function output the following: SIFT: "Deleterious"; PolyPhen-2: "Benign"; Align-GVGD: "Class C0". The serine amino acid residue is found in multiple mammalian species, which suggests that this missense change does not adversely affect protein function. This variant has not been reported in the literature in individuals affected with DNMT1-related conditions. This variant is not present in population databases (gnomAD no frequency). This sequence change replaces glycine, which is neutral and non-polar, with serine, which is neutral and polar, at codon 1134 of the DNMT1 protein (p.Gly1134Ser).

NM_001130823.3(DNMT1):c.3400G>A (p.Gly1134Ser)

Gene: DNMT1 (DNA methyltransferase 1; minus strand). Cytogenetic location: 19p13.2.
Variant type: single nucleotide variant.
Coding change: c.3400G>A on transcript NM_001130823.3 (MANE Select); coding-DNA position 3400, G replaced by A.
Protein change: p.Gly1134Ser; replaces glycine 1134 with serine.
Molecular consequence: missense variant.
Genome position (GRCh38, 1-based): chr19:10,140,904, C>T on the plus strand (G>A on the coding strand, the complement: DNMT1 is on the minus strand). VCF-style: chr19-10140904-C-T. GRCh37 (hg19) VCF-style: chr19-10251580-C-T.
Other names: c.3352G>A, p.Gly1118Ser (NM_001318730.2, NM_001379.4); c.3037G>A, p.Gly1013Ser (NM_001318731.2); short protein forms G1013S, G1118S, G1134S.
Identifiers: ClinVar variation 2148909 (VCV002148909.4), dbSNP rs1049058944, ClinGen allele CA305221254.